The following is an entry in ClinVar:

ClinVar aggregate classification (germline): Conflicting classifications of pathogenicity. Review status: criteria provided, conflicting classifications (1 of 4 stars). 2 submissions from 1 submitter: Uncertain significance (1); Benign (1). Last evaluated 2018-01-13.

Conditions:
Familial hyperthyroidism due to mutations in TSH receptor. Also called: HYPERTHYROIDISM, CONGENITAL NONAUTOIMMUNE; HYPERTHYROIDISM, NONAUTOIMMUNE, AUTOSOMAL DOMINANT; TOXIC THYROID HYPERPLASIA, AUTOSOMAL DOMINANT. Identifiers: Orphanet 424, MedGen C1836706, MONDO:0012203, OMIM 609152.
Hypothyroidism due to TSH receptor mutations. Also called: HYPOTHYROIDISM DUE TO UNRESPONSIVENESS TO THYROTROPIN; HYPOTHYROIDISM, CONGENITAL, DUE TO TSH RESISTANCE; HYPOTHYROIDISM, NONAUTOIMMUNE; THYROID-STIMULATING HORMONE, RESISTANCE TO; TSH RESISTANCE; Hypothyroidism, congenital, nongoitrous, 1. Identifiers: Orphanet 90673, MedGen C3493776, MONDO:0010142, OMIM 275200.

Allele frequency attached by ClinVar (database versions not stated): gnomAD exomes 0.00093; gnomAD 0.00496 and 0.00532; 1000 Genomes Project 0.00559; TOPMed 0.00582; 1000 Genomes Project 30x 0.00593.
gnomAD v4.1: 835 of 233,300 alleles (0.36%); highest among the groups gnomAD compares: African/African-American, 1.7%; 4 homozygotes.

Submissions (2):

Illumina Laboratory Services, Illumina
Classification: Benign for Familial hyperthyroidism due to mutations in TSH receptor. Last evaluated: 2018-01-13. Review status: criteria provided, single submitter. Criteria: ICSL Variant Classification Criteria 13 December 2019. Collection method: clinical testing. Allele origin: germline.
Comment: This variant was observed in the ICSL laboratory as part of a predisposition screen in an ostensibly healthy population. It had not been previously curated by ICSL or reported in the Human Gene Mutation Database (HGMD: prior to June 1st, 2018), and was therefore a candidate for classification through an automated scoring system. Utilizing variant allele frequency, disease prevalence and penetrance estimates, and inheritance mode, an automated score was calculated to assess if this variant is too frequent to cause the disease. Based on the score and internal cut-off values, a variant classified as benign is not then subjected to further curation. The score for this variant resulted in a classification of benign for this disease.

Illumina Laboratory Services, Illumina
Classification: Uncertain significance for Hypothyroidism due to TSH receptor mutations. Last evaluated: 2018-01-13. Review status: criteria provided, single submitter. Criteria: ICSL Variant Classification Criteria 13 December 2019. Collection method: clinical testing. Allele origin: germline.

NM_000369.5(TSHR):c.*728A>G

Genes: TSHR-AS1 (TSHR antisense RNA 1; minus strand), TSHR (thyroid stimulating hormone receptor; plus strand). Cytogenetic location: 14q31.1.
Variant type: single nucleotide variant.
Coding change: c.*728A>G on transcript NM_000369.5 (MANE Select); 728 bases downstream of the stop codon, A replaced by G.
Molecular consequence: 3 prime UTR variant.
Genome position (GRCh38, 1-based): chr14:81,145,081, A>G. VCF-style: chr14-81145081-A-G. GRCh37 (hg19) VCF-style: chr14-81611425-A-G.
Identifiers: ClinVar variation 314710 (VCV000314710.5), dbSNP rs73342245, ClinGen allele CA10645149.
Genomic context (GRCh38, chr14:81,145,081, plus strand): 5'-TGGCAAGATTTCAGCTTATGTGGCCTAGCAAACTAAGAATTGCTCTTCTTGGCCAGCCTC[A>G]TAGCATAAAAGATGTGAACTCTAGGAAGTCTTTCTGAGTAGCAATAAGTGGGAATTATGG-3'